The following is an entry in ClinVar:

ClinVar aggregate classification (germline): Benign. Review status: reviewed by expert panel (3 of 4 stars). 11 submissions from 10 submitters: Benign (1). 10 of the submissions do not count toward it. Last evaluated 2019-07-26.

Conditions:
RUNX1-related disorder. Also called: RUNX1-related condition.
Hereditary cancer-predisposing syndrome. Also called: Tumor predisposition; Hereditary Cancer Syndrome; Neoplastic Syndromes, Hereditary; Hereditary neoplastic syndrome. Identifiers: Orphanet 140162, MedGen C0027672, MeSH D009386, MONDO:0015356.
Acute myeloid leukemia (AML). Also called: Acute myeloid leukemia, adult; AML adult; Acute non-lymphocytic leukemia; Acute granulocytic leukemia; Leukemia, acute myelogenous, somatic; Leukemia, acute myeloid, somatic. Identifiers: Orphanet 519, MedGen C0023467, MeSH D015470, MONDO:0018874, OMIM 601626, HP:0004808. Disease mechanism: Constitutively activated FLT3.
Inborn genetic diseases. Identifiers: MedGen C0950123, MeSH D030342.
Hereditary thrombocytopenia and hematological cancer predisposition syndrome associated with RUNX1. Also called: PLATELET DISORDER, ASPIRIN-LIKE; Familial Platelet Disorder with Propensity to Acute Myelogenous Leukemia; Familial thrombocytopenia with propensity to acute myelogenous leukemia; RUNX1 Familial Platelet Disorder with Associated Myeloid Malignancies. Identifiers: Orphanet 71290, MedGen C1832388, MeSH C563324, MONDO:0100083, OMIM 601399.

Allele frequency attached by ClinVar (database versions not stated): ExAC 0.00027; gnomAD exomes 0.00003 and 0.00015; gnomAD 0.00010 and 0.00011; TOPMed 0.00014; 1000 Genomes Project 30x 0.00016; 1000 Genomes Project 0.00020.
gnomAD v4.1: 123 of 1,604,614 alleles (0.0077%); highest among the groups gnomAD compares: East Asian, 0.1%; 1 homozygote.

Submissions (11):

ClinGen Myeloid Malignancy Variant Curation Expert Panel
Classification: Benign for Familial platelet disorder with associated myeloid malignancy. Last evaluated: 2019-07-26. Review status: reviewed by expert panel. Criteria: ClinGen MyeloMalig ACMG Specifications v1. Collection method: curation. Allele origin: germline. Inheritance: Autosomal dominant inheritance.
Comment: The NM_001754.4:c.1005G>T (p.Gln335His) variant has a MAF of 0.00357 (0.357%, 15/4,206 alleles) in the East Asian subpopulation of the ExAC cohort that is >/= 0.0015 (0.15%) (BA1). This missense variant has a REVEL score 0.4. In summary, this variant meets criteria to be classified as benign. ACMG/AMP criteria applied, as specified by the ClinGen Myeloid Malignancy Variant Curation Expert Panel for RUNX1: BA1.

Labcorp Genetics (formerly Invitae), Labcorp
Classification: Benign for Hereditary thrombocytopenia and hematological cancer predisposition syndrome associated with RUNX1. Last evaluated: 2026-01-24. Review status: criteria provided, single submitter. Criteria: Invitae Variant Classification Sherloc (09022015). Collection method: clinical testing. Allele origin: germline. Not counted in ClinVar's aggregate classification.

CeGaT Center for Human Genetics Tuebingen
Classification: Likely benign. Last evaluated: 2025-07-01. Review status: criteria provided, single submitter. Criteria: CeGaT Center For Human Genetics Tuebingen Variant Classification Criteria Version 2. Collection method: clinical testing. Allele origin: germline. Affected: yes. Observed: 1 variant allele. Not counted in ClinVar's aggregate classification.
Comment: RUNX1: BS1

KCCC/NGS Laboratory, Kuwait Cancer Control Center
Classification: Benign for Hereditary thrombocytopenia and hematological cancer predisposition syndrome associated with RUNX1. Last evaluated: 2025-02-01. Review status: criteria provided, single submitter. Criteria: ACMG Guidelines, 2015. Collection method: clinical testing. Allele origin: germline. Affected: no. Not counted in ClinVar's aggregate classification.

Blueprint Genetics
Classification: Likely benign. Last evaluated: 2024-11-27. Review status: criteria provided, single submitter. Criteria: ACMG Guidelines, 2015. Collection method: clinical testing. Allele origin: germline. Not counted in ClinVar's aggregate classification.

Ambry Genetics
Classification: Likely benign for Inborn genetic diseases. Last evaluated: 2024-06-25. Review status: criteria provided, single submitter. Criteria: Ambry Variant Classification Scheme 2023. Collection method: clinical testing. Allele origin: germline. Not counted in ClinVar's aggregate classification.

KCCC/NGS Laboratory, Kuwait Cancer Control Center
Classification: Likely benign for Acute myeloid leukemia. Last evaluated: 2023-07-07. Review status: criteria provided, single submitter. Criteria: ACMG Guidelines, 2015. Collection method: clinical testing. Allele origin: germline. Affected: yes. Not counted in ClinVar's aggregate classification.

Sema4
Classification: Likely benign for Hereditary cancer-predisposing syndrome. Last evaluated: 2021-01-18. Review status: criteria provided, single submitter. Criteria: Sema4 Curation Guidelines. Collection method: curation. Allele origin: germline. Not counted in ClinVar's aggregate classification.

Genetic Services Laboratory, University of Chicago
Classification: Likely benign. Last evaluated: 2018-06-12. Review status: criteria provided, single submitter. Criteria: ACMG Guidelines, 2015. Collection method: clinical testing. Allele origin: germline. Affected: no. Not counted in ClinVar's aggregate classification.

Illumina Laboratory Services, Illumina
Classification: Benign for Hereditary thrombocytopenia and hematological cancer predisposition syndrome associated with RUNX1. Last evaluated: 2018-01-13. Review status: criteria provided, single submitter. Criteria: ICSL Variant Classification Criteria 13 December 2019. Collection method: clinical testing. Allele origin: germline. Not counted in ClinVar's aggregate classification.
Comment: This variant was observed in the ICSL laboratory as part of a predisposition screen in an ostensibly healthy population. It had not been previously curated by ICSL or reported in the Human Gene Mutation Database (HGMD: prior to June 1st, 2018), and was therefore a candidate for classification through an automated scoring system. Utilizing variant allele frequency, disease prevalence and penetrance estimates, and inheritance mode, an automated score was calculated to assess if this variant is too frequent to cause the disease. Based on the score and internal cut-off values, a variant classified as benign is not then subjected to further curation. The score for this variant resulted in a classification of benign for this disease.

PreventionGenetics, part of Exact Sciences
Classification: Benign for RUNX1-related condition. Last evaluated: 2019-10-31. Review status: no assertion criteria provided. Collection method: clinical testing. Allele origin: germline. Not counted in ClinVar's aggregate classification.
Comment: This variant is classified as benign based on ACMG/AMP sequence variant interpretation guidelines (Richards et al. 2015 PMID: 25741868, with internal and published modifications).

NM_001754.5(RUNX1):c.1005G>T (p.Gln335His)

Gene: RUNX1 (RUNX family transcription factor 1; minus strand). Cytogenetic location: 21q22.12.
Variant type: single nucleotide variant.
Coding change: c.1005G>T on transcript NM_001754.5 (MANE Select); coding-DNA position 1005, G replaced by T.
Protein change: p.Gln335His; replaces glutamine 335 with histidine.
Molecular consequence: missense variant.
Genome position (GRCh38, 1-based): chr21:34,792,573, C>A on the plus strand (G>T on the coding strand, the complement: RUNX1 is on the minus strand). VCF-style: chr21-34792573-C-A. GRCh37 (hg19) VCF-style: chr21-36164870-C-A.
Other names: NM_001754.4(RUNX1):c.1005G>T; c.924G>T, p.Gln308His (NM_001001890.3); short protein forms Q335H, Q308H.
Identifiers: ClinVar variation 239039 (VCV000239039.33), dbSNP rs80314254, ClinGen allele CA10014223.